The following is an entry in ClinVar:

ClinVar aggregate classification (germline): Likely benign. Review status: criteria provided, multiple submitters, no conflicts (2 of 4 stars). 3 submissions from 3 submitters: Likely benign (3). Last evaluated 2026-08-10.

Conditions:
Cohen syndrome (COH1). Also called: Cutis verticis gyrata, retinitis pigmentosa, and sensorineural deafness; PEPPER SYNDROME. Identifiers: Orphanet 193, MedGen C0265223, MONDO:0008999, OMIM 216550.
Inborn genetic diseases. Identifiers: MedGen C0950123, MeSH D030342.
VPS13B-related disorder. Also called: VPS13B-related condition.

Allele frequency attached by ClinVar (database versions not stated): gnomAD exomes below 0.00001; TOPMed below 0.00001.
gnomAD v4.1: 3 of 1,614,078 alleles (0.00019%); highest among the groups gnomAD compares: Non-Finnish European, 0.00025%; no homozygotes.

Submissions (3):

PreventionGenetics, part of Exact Sciences
Classification: Likely benign for VPS13B-related condition. Last evaluated: 2026-08-10. Review status: criteria provided, single submitter. Criteria: ACMG Guidelines, 2015. Collection method: clinical testing. Allele origin: germline.
Comment: This variant is classified as likely benign based on ACMG/AMP sequence variant interpretation guidelines (Richards et al. 2015 PMID: 25741868, with internal and published modifications).

Labcorp Genetics (formerly Invitae), Labcorp
Classification: Likely benign for Cohen syndrome. Last evaluated: 2023-09-08. Review status: criteria provided, single submitter. Criteria: Invitae Variant Classification Sherloc (09022015). Collection method: clinical testing. Allele origin: germline.

Ambry Genetics
Classification: Likely benign for Inborn genetic diseases. Last evaluated: 2019-10-28. Review status: criteria provided, single submitter. Criteria: Ambry Variant Classification Scheme 2023. Collection method: clinical testing. Allele origin: germline.

NM_152564.5(VPS13B):c.6951A>G (p.Pro2317=)

Gene: VPS13B (vacuolar protein sorting 13 homolog B; plus strand). Cytogenetic location: 8q22.2.
Variant type: single nucleotide variant.
Coding change: c.6951A>G on transcript NM_152564.5 (MANE Select); coding-DNA position 6951, A replaced by G.
Protein change: p.Pro2317=; no amino-acid change (proline 2317 retained).
Molecular consequence: synonymous variant.
Genome position (GRCh38, 1-based): chr8:99,720,948, A>G. VCF-style: chr8-99720948-A-G. GRCh37 (hg19) VCF-style: chr8-100733176-A-G.
Other names: c.7026A>G, p.Pro2342= (NM_017890.5); c.6951A>G (NM_152564.4).
Identifiers: ClinVar variation 1121506 (VCV001121506.12), dbSNP rs1175046825, ClinGen allele CA462441865.
Genomic context (GRCh38, chr8:99,720,948, plus strand): 5'-TGAAGTCTTATTTTATAATGAAACTGAAGATTGCCCAGGGATGATGTTATGGAGATATCC[A>G]GAACCTAGAGTACTCACCCTTGTACGAATAACTCCTGTACCTTTTAACACCACAGAGGAT-3'
Protein context (NP_689777.3, residues 2307-2327): DCPGMMLWRY[Pro2317=]EPRVLTLVRI